The following is an entry in ClinVar:

ClinVar aggregate classification (germline): Uncertain significance (1 of 4 stars; one submission).

Conditions:
Dilated cardiomyopathy 1O (CMD1O). Also called: CARDIOMYOPATHY, DILATED, WITH VENTRICULAR TACHYCARDIA. Identifiers: Orphanet 154, MedGen C1837839, MONDO:0012062, OMIM 608569.

gnomAD v4.1: 1 of 1,610,280 alleles (0.000062%); highest among the groups gnomAD compares: Non-Finnish European, 0.000085%; no homozygotes.

Submission:

Labcorp Genetics (formerly Invitae), Labcorp
Classification: Uncertain significance for Dilated cardiomyopathy 1O. Last evaluated: 2025-12-09. Review status: criteria provided, single submitter. Criteria: Invitae Variant Classification Sherloc (09022015). Collection method: clinical testing. Allele origin: germline.
Comment: This sequence change replaces leucine, which is neutral and non-polar, with phenylalanine, which is neutral and non-polar, at codon 287 of the ABCC9 protein (p.Leu287Phe). This variant is not present in population databases (gnomAD no frequency). This variant has not been reported in the literature in individuals affected with ABCC9-related conditions. Invitae Evidence Modeling of protein sequence and biophysical properties (such as structural, functional, and spatial information, amino acid conservation, physicochemical variation, residue mobility, and thermodynamic stability) indicates that this missense variant is not expected to disrupt ABCC9 protein function with a negative predictive value of 95%. In summary, the available evidence is currently insufficient to determine the role of this variant in disease. Therefore, it has been classified as a Variant of Uncertain Significance.

NM_020297.4(ABCC9):c.859C>T (p.Leu287Phe)

Gene: ABCC9 (ATP binding cassette subfamily C member 9; minus strand). Cytogenetic location: 12p12.1.
Variant type: single nucleotide variant.
Coding change: c.859C>T on transcript NM_020297.4 (MANE Select); coding-DNA position 859, C replaced by T.
Protein change: p.Leu287Phe; replaces leucine 287 with phenylalanine.
Molecular consequence: missense variant. On other transcripts: 5 prime UTR variant (1).
Genome position (GRCh38, 1-based): chr12:21,913,024, G>A on the plus strand (C>T on the coding strand, the complement: ABCC9 is on the minus strand). VCF-style: chr12-21913024-G-A. GRCh37 (hg19) VCF-style: chr12-22065958-G-A.
Other names: c.859C>T, p.Leu287Phe (NM_001377273.1, NM_005691.4); c.-6C>T (NM_001377274.1); short protein forms L287F.
Identifiers: ClinVar variation 4745817 (VCV004745817.1).